The following is an entry in ClinVar:

ClinVar aggregate classification (germline): Uncertain significance. Review status: criteria provided, multiple submitters, no conflicts (2 of 4 stars). 2 submissions from 2 submitters: Uncertain significance (2). Last evaluated 2024-10-22.

Conditions:
Developmental and epileptic encephalopathy, 11 (DEE11). Also called: Early infantile epileptic encephalopathy 11. Identifiers: Orphanet 1934, MedGen C3150987, MONDO:0013388, OMIM 613721.
Seizures, benign familial infantile, 3 (BFIS3). Also called: CONVULSIONS, BENIGN FAMILIAL INFANTILE, 3; Familial neonatal seizures. Identifiers: Orphanet 140927, Orphanet 306, MedGen C1843140, MONDO:0011904, OMIM 607745.

Allele frequency attached by ClinVar (database versions not stated): gnomAD exomes below 0.00001; ExAC 0.00001; gnomAD 0.00001; TOPMed 0.00002; ESP Exome Variant Server 0.00008.
gnomAD v4.1: 7 of 1,613,858 alleles (0.00043%); highest among the groups gnomAD compares: Non-Finnish European, 0.00059%; no homozygotes.

Submissions (2):

Labcorp Genetics (formerly Invitae), Labcorp
Classification: Uncertain significance for Seizures, benign familial infantile, 3; Developmental and epileptic encephalopathy, 11. Last evaluated: 2024-10-22. Review status: criteria provided, single submitter. Criteria: Invitae Variant Classification Sherloc (09022015). Collection method: clinical testing. Allele origin: germline.
Comment: This sequence change replaces isoleucine, which is neutral and non-polar, with valine, which is neutral and non-polar, at codon 1911 of the SCN2A protein (p.Ile1911Val). This variant is present in population databases (rs372294906, gnomAD 0.0009%). This variant has not been reported in the literature in individuals affected with SCN2A-related conditions. ClinVar contains an entry for this variant (Variation ID: 1494525). Invitae Evidence Modeling of protein sequence and biophysical properties (such as structural, functional, and spatial information, amino acid conservation, physicochemical variation, residue mobility, and thermodynamic stability) indicates that this missense variant is not expected to disrupt SCN2A protein function with a negative predictive value of 95%. In summary, the available evidence is currently insufficient to determine the role of this variant in disease. Therefore, it has been classified as a Variant of Uncertain Significance.

GeneDx
Classification: Uncertain significance. Last evaluated: 2024-08-27. Review status: criteria provided, single submitter. Criteria: GeneDx Variant Classification Process June 2021. Collection method: clinical testing. Allele origin: germline. Affected: yes.
Comment: Reported in a patient with Brugada syndrome in the literature, but clinical information and segregation information were not provided (PMID: 26220970); This substitution is predicted to be within the C-terminal cytoplasmic domain and IQ domain.; Not observed at significant frequency in large population cohorts (gnomAD); In silico analysis indicates that this missense variant does not alter protein structure/function; This variant is associated with the following publications: (PMID: 33770503, 26220970)

NM_001040142.2(SCN2A):c.5731A>G (p.Ile1911Val)

Gene: SCN2A (sodium voltage-gated channel alpha subunit 2; plus strand). Cytogenetic location: 2q24.3.
Variant type: single nucleotide variant.
Coding change: c.5731A>G on transcript NM_001040142.2 (MANE Select); coding-DNA position 5731, A replaced by G.
Protein change: p.Ile1911Val; replaces isoleucine 1911 with valine.
Molecular consequence: missense variant.
Genome position (GRCh38, 1-based): chr2:165,389,537, A>G. VCF-style: chr2-165389537-A-G. GRCh37 (hg19) VCF-style: chr2-166246047-A-G.
Other names: c.5731A>G (NM_021007.2); c.5731A>G, p.Ile1911Val (NM_001040143.2, NM_001371246.1, NM_001371247.1 and 1 more transcripts); short protein forms I1911V.
Identifiers: ClinVar variation 1494525 (VCV001494525.7), dbSNP rs372294906, ClinGen allele CA1940419.
Genomic context (GRCh38, chr2:165,389,537, plus strand): 5'-GTCTCTTATGAGCCCATTACGACCACGTTGAAACGCAAACAAGAGGAGGTGTCTGCTATT[A>G]TTATCCAGAGGGCTTACAGACGCTACCTCTTGAAGCAAAAAGTTAAAAAGGTATCAAGTA-3'
Protein context (NP_001035232.1, residues 1901-1921): KRKQEEVSAI[Ile1911Val]IQRAYRRYLL